The following is an entry in ClinVar:

NM_000494.4(COL17A1):c.2251C>T (p.Gln751Ter)

Gene: COL17A1 (collagen type XVII alpha 1 chain; minus strand). Cytogenetic location: 10q25.1.
Variant type: single nucleotide variant.
Coding change: c.2251C>T on transcript NM_000494.4 (MANE Select); coding-DNA position 2251, C replaced by T.
Protein change: p.Gln751Ter; replaces glutamine 751 with a stop codon.
Molecular consequence: nonsense.
Genome position (GRCh38, 1-based): chr10:104,048,081, G>A on the plus strand (C>T on the coding strand, the complement: COL17A1 is on the minus strand). VCF-style: chr10-104048081-G-A. GRCh37 (hg19) VCF-style: chr10-105807839-G-A.
Other names: short protein forms Q751*.
Identifiers: ClinVar variation 2735486 (VCV002735486.3), dbSNP rs2493318808, ClinGen allele CA378069155.

ClinVar aggregate classification (germline): Pathogenic (1 of 4 stars; one submission).

Submission:

Labcorp Genetics (formerly Invitae), Labcorp
Classification: Pathogenic. Last evaluated: 2024-01-31. Review status: criteria provided, single submitter. Criteria: Invitae Variant Classification Sherloc (09022015). Collection method: clinical testing. Allele origin: germline.
Comment: This sequence change creates a premature translational stop signal (p.Gln751*) in the COL17A1 gene. It is expected to result in an absent or disrupted protein product. Loss-of-function variants in COL17A1 are known to be pathogenic (PMID: 16473856, 17344927, 20301304, 21357940, 24319098). This variant is not present in population databases (gnomAD no frequency). This premature translational stop signal has been observed in individual(s) with junctional epidermolysis bullosa (PMID: 15009107). For these reasons, this variant has been classified as Pathogenic.

Literature cited by the submitters: PubMed 16473856; PubMed 17344927; PubMed 20301304; PubMed 21357940; PubMed 24319098; PubMed 15009107.